The following is an entry in ClinVar:

ClinVar aggregate classification (germline): Likely benign (1 of 4 stars; one submission).

Conditions:
SEMA3C-related disorder. Also called: SEMA3C-related condition.

gnomAD v4.1: 21 of 1,613,852 alleles (0.0013%); highest among the groups gnomAD compares: Middle Eastern, 0.033%; no homozygotes.

Submission:

PreventionGenetics, part of Exact Sciences
Classification: Likely benign for SEMA3C-related condition. Last evaluated: 2025-07-07. Review status: criteria provided, single submitter. Criteria: ACMG Guidelines, 2015. Collection method: clinical testing. Allele origin: germline.
Comment: This variant is classified as likely benign based on ACMG/AMP sequence variant interpretation guidelines (Richards et al. 2015 PMID: 25741868, with internal and published modifications).

NM_006379.5(SEMA3C):c.1947T>C (p.Ser649=)

Gene: SEMA3C (semaphorin 3C; minus strand). Cytogenetic location: 7q21.11.
Variant type: single nucleotide variant.
Coding change: c.1947T>C on transcript NM_006379.5 (MANE Select); coding-DNA position 1947, T replaced by C.
Protein change: p.Ser649=; no amino-acid change (serine 649 retained).
Molecular consequence: synonymous variant.
Genome position (GRCh38, 1-based): chr7:80,745,203, A>G on the plus strand (T>C on the coding strand, the complement: SEMA3C is on the minus strand). VCF-style: chr7-80745203-A-G. GRCh37 (hg19) VCF-style: chr7-80374519-A-G.
Other names: c.2001T>C, p.Ser667= (NM_001350120.2); c.1773T>C, p.Ser591= (NM_001350121.2).
Identifiers: ClinVar variation 4979739 (VCV004979739.1).